The following is an entry in ClinVar:

NM_001134831.2(AHI1):c.3583A>G (p.Ile1195Val)

Gene: AHI1 (Abelson helper integration site 1; minus strand). Cytogenetic location: 6q23.3.
Variant type: single nucleotide variant.
Coding change: c.3583A>G on transcript NM_001134831.2 (MANE Select); coding-DNA position 3583, A replaced by G.
Protein change: p.Ile1195Val; replaces isoleucine 1195 with valine.
Molecular consequence: missense variant. On other transcripts: intron variant (1).
Genome position (GRCh38, 1-based): chr6:135,290,428, T>C on the plus strand (A>G on the coding strand, the complement: AHI1 is on the minus strand). VCF-style: chr6-135290428-T-C. GRCh37 (hg19) VCF-style: chr6-135611566-T-C.
Other names: c.3583A>G, p.Ile1195Val (NM_001134830.2, NM_001350503.2, NM_017651.5); c.3486-4781A>G (NM_001350504.2); short protein forms I1195V.
Identifiers: ClinVar variation 842041 (VCV000842041.14), dbSNP rs776098993, ClinGen allele CA4011951.

ClinVar aggregate classification (germline): Uncertain significance. Review status: criteria provided, multiple submitters, no conflicts (2 of 4 stars). 5 submissions from 5 submitters: Uncertain significance (5). Last evaluated 2024-01-18.

Conditions:
Joubert syndrome 3 (JBTS3). Also called: AHI1-related Ciliopathy. Identifiers: Orphanet 220493, MedGen C1837713, MONDO:0012078, OMIM 608629.
Inborn genetic diseases. Identifiers: MedGen C0950123, MeSH D030342.
Joubert syndrome. Also called: JOUBERT-BOLTSHAUSER SYNDROME; Familial aplasia of the vermis. Identifiers: Orphanet 475, MedGen C5979921, MONDO:0018772.

Allele frequency attached by ClinVar (database versions not stated): gnomAD exomes 0.00001 and 0.00005; ExAC 0.00002.
gnomAD v4.1: 73 of 1,557,996 alleles (0.0047%); highest among the groups gnomAD compares: Non-Finnish European, 0.0062%; no homozygotes.

Submissions (5):

Fulgent Genetics
Classification: Uncertain significance for Joubert syndrome 3. Last evaluated: 2024-01-18. Review status: criteria provided, single submitter. Criteria: ACMG Guidelines, 2015. Collection method: clinical testing. Allele origin: germline.

Ambry Genetics
Classification: Uncertain significance for Inborn genetic diseases. Last evaluated: 2023-03-21. Review status: criteria provided, single submitter. Criteria: Ambry Variant Classification Scheme 2023. Collection method: clinical testing. Allele origin: germline.

Labcorp Genetics (formerly Invitae), Labcorp
Classification: Uncertain significance for Joubert syndrome. Last evaluated: 2022-09-27. Review status: criteria provided, single submitter. Criteria: Invitae Variant Classification Sherloc (09022015). Collection method: clinical testing. Allele origin: germline.
Comment: This sequence change replaces isoleucine, which is neutral and non-polar, with valine, which is neutral and non-polar, at codon 1195 of the AHI1 protein (p.Ile1195Val). This variant is present in population databases (rs776098993, gnomAD 0.003%). This variant has not been reported in the literature in individuals affected with AHI1-related conditions. ClinVar contains an entry for this variant (Variation ID: 842041). Advanced modeling of protein sequence and biophysical properties (such as structural, functional, and spatial information, amino acid conservation, physicochemical variation, residue mobility, and thermodynamic stability) performed at Invitae indicates that this missense variant is not expected to disrupt AHI1 protein function. In summary, the available evidence is currently insufficient to determine the role of this variant in disease. Therefore, it has been classified as a Variant of Uncertain Significance.

GeneDx
Classification: Uncertain significance. Last evaluated: 2021-05-25. Review status: criteria provided, single submitter. Criteria: GeneDx Variant Classification Process June 2021. Collection method: clinical testing. Allele origin: germline. Affected: yes.
Comment: Not observed at significant frequency in large population cohorts (Lek et al., 2016); In silico analysis supports that this missense variant does not alter protein structure/function; Has not been previously published as pathogenic or benign to our knowledge

Blueprint Genetics
Classification: Uncertain significance. Last evaluated: 2018-12-18. Review status: criteria provided, single submitter. Criteria: ACMG Guidelines, 2015. Collection method: clinical testing. Allele origin: germline.